The following is an entry in ClinVar:

NM_032776.3(JMJD1C):c.5903T>C (p.Leu1968Pro)

Gene: JMJD1C (jumonji domain containing 1C; minus strand). Cytogenetic location: 10q21.3.
Variant type: single nucleotide variant.
Coding change: c.5903T>C on transcript NM_032776.3 (MANE Select); coding-DNA position 5903, T replaced by C.
Protein change: p.Leu1968Pro; replaces leucine 1968 with proline.
Molecular consequence: missense variant.
Genome position (GRCh38, 1-based): chr10:63,193,111, A>G on the plus strand (T>C on the coding strand, the complement: JMJD1C is on the minus strand). VCF-style: chr10-63193111-A-G. GRCh37 (hg19) VCF-style: chr10-64952871-A-G.
Other names: c.5357T>C, p.Leu1786Pro (NM_001282948.2, NM_001318154.2); c.5039T>C, p.Leu1680Pro (NM_001318153.2); c.5789T>C, p.Leu1930Pro (NM_001322252.2); c.5246T>C, p.Leu1749Pro (NM_001322254.2, NM_001322258.2); short protein forms L1968P, L1749P, L1930P, L1680P, L1786P.
Identifiers: ClinVar variation 847837 (VCV000847837.9), dbSNP rs1845038703, ClinGen allele CA377026688.
Genomic context (GRCh38, chr10:63,193,111, plus strand): 5'-CTGCCACCATTTTTCTCAGACTTCGGAGGAGTATTTTGCTGCTGAGACTCAGGCATGCAC[A>G]GAGAAATTTTATTACTGTGATTAAGAACATTCTGTAAAACCTACAAAGGTAGAACAATTA-3'
Protein context (NP_116165.1, residues 1958-1978): NVLNHSNKIS[Leu1968Pro]CMPESQQQNT

ClinVar aggregate classification (germline): Uncertain significance (1 of 4 stars; one submission).

Conditions:
Early Myoclonic Encephalopathy. Identifiers: MedGen C0270855.

Allele frequency attached by ClinVar (database versions not stated): TOPMed below 0.00001.

Submission:

Labcorp Genetics (formerly Invitae), Labcorp
Classification: Uncertain significance for Early Myoclonic Encephalopathy. Last evaluated: 2019-02-22. Review status: criteria provided, single submitter. Criteria: Invitae Variant Classification Sherloc (09022015). Collection method: clinical testing. Allele origin: germline.
Comment: This sequence change replaces leucine with proline at codon 1968 of the JMJD1C protein (p.Leu1968Pro). The leucine residue is moderately conserved and there is a moderate physicochemical difference between leucine and proline. In summary, the available evidence is currently insufficient to determine the role of this variant in disease. Therefore, it has been classified as a Variant of Uncertain Significance. Algorithms developed to predict the effect of missense changes on protein structure and function are either unavailable or do not agree on the potential impact of this missense change (SIFT: "Tolerated"; PolyPhen-2: "Possibly Damaging"; Align-GVGD: "Class C0"). This variant has not been reported in the literature in individuals with JMJD1C-related conditions. This variant is not present in population databases (ExAC no frequency).